The following is an entry in ClinVar:

ClinVar aggregate classification (germline): Benign/Likely benign. Review status: criteria provided, multiple submitters, no conflicts (2 of 4 stars). 15 submissions from 15 submitters: Benign (9); Likely benign (1). 5 of the submissions do not count toward it. Last evaluated 2026-02-03.

Conditions:
Episodic ataxia type 2 (EA2). Also called: ACETAZOLAMIDE-RESPONSIVE HEREDITARY PAROXYSMAL CEREBELLAR ATAXIA; ATAXIA, EPISODIC, WITH NYSTAGMUS; ATAXIA, FAMILIAL PAROXYSMAL; CEREBELLAR ATAXIA, PAROXYSMAL, ACETAZOLAMIDE-RESPONSIVE; CEREBELLOPATHY, HEREDITARY PAROXYSMAL; EPISODIC ATAXIA, NYSTAGMUS-ASSOCIATED. Identifiers: Orphanet 97, MedGen C1720416, MONDO:0007163, OMIM 108500.
Developmental and epileptic encephalopathy, 42 (DEE42A). Also called: Epileptic encephalopathy, early infantile, 42; DEVELOPMENTAL AND EPILEPTIC ENCEPHALOPATHY 42A; EPILEPTIC ENCEPHALOPATHY, EARLY INFANTILE, 42A. Identifiers: MedGen C4310716, MONDO:0014917, OMIM 617106.
Inborn genetic diseases. Identifiers: MedGen C0950123, MeSH D030342.

Allele frequency attached by ClinVar (database versions not stated): ESP Exome Variant Server 0.09783; 1000 Genomes Project 0.10583; gnomAD 0.11855; 1000 Genomes Project 30x 0.11040; TOPMed 0.12068.
gnomAD v4.1: 219,689 of 1,592,562 alleles (14%); highest among the groups gnomAD compares: Middle Eastern, 17%; 15,785 homozygotes.

Submissions (15):

Labcorp Genetics (formerly Invitae), Labcorp
Classification: Benign for Developmental and epileptic encephalopathy, 42; Episodic ataxia type 2. Last evaluated: 2026-02-03. Review status: criteria provided, single submitter. Criteria: Invitae Variant Classification Sherloc (09022015). Collection method: clinical testing. Allele origin: germline.

Blueprint Genetics
Classification: Likely benign. Last evaluated: 2024-11-28. Review status: criteria provided, single submitter. Criteria: ACMG Guidelines, 2015. Collection method: clinical testing. Allele origin: germline.

Unidad de Genómica Garrahan, Hospital de Pediatría Garrahan
Classification: Benign. Last evaluated: 2024-07-15. Review status: criteria provided, single submitter. Criteria: ACMG Guidelines, 2015. Collection method: clinical testing. Allele origin: germline. Affected: no. Observed: 28 variant alleles.
Comment: This variant is classified as Benign based on local population frequency. This variant was detected in 30% of patients studied in a panel designed for Epileptic and Developmental Encephalopathy and Progressive Myoclonus Epilepsy. Number of patients: 28. Only high quality variants are reported.

Mayo Clinic Laboratories, Mayo Clinic
Classification: Benign. Last evaluated: 2023-02-20. Review status: criteria provided, single submitter. Criteria: ACMG Guidelines, 2015. Collection method: clinical testing. Allele origin: germline. Observed: 306 variant alleles.
Comment: BA1, BP4

Athena Diagnostics
Classification: Benign. Last evaluated: 2021-05-03. Review status: criteria provided, single submitter. Criteria: Athena Diagnostics criteria. Collection method: clinical testing. Allele origin: unknown.

Ambry Genetics
Classification: Benign for Inborn genetic diseases. Last evaluated: 2016-03-16. Review status: criteria provided, single submitter. Criteria: Ambry Variant Classification Scheme 2023. Collection method: clinical testing. Allele origin: germline.

GeneDx
Classification: Benign. Last evaluated: 2016-01-05. Review status: criteria provided, single submitter. Criteria: GeneDx Variant Classification (06012015). Collection method: clinical testing. Allele origin: germline. Affected: yes.
Comment: This variant is considered likely benign or benign based on one or more of the following criteria: it is a conservative change, it occurs at a poorly conserved position in the protein, it is predicted to be benign by multiple in silico algorithms, and/or has population frequency not consistent with disease.

Eurofins Ntd Llc (ga)
Classification: Benign. Last evaluated: 2014-03-18. Review status: criteria provided, single submitter. Criteria: EGL Classification Definitions 2015. Collection method: clinical testing. Allele origin: germline. Observed: 6 variant alleles, 5 heterozygotes, 1 homozygote.

Breakthrough Genomics
Classification: Benign. Review status: criteria provided, single submitter. Criteria: ACMG Guidelines, 2015. Collection method: not provided. Allele origin: germline. Inheritance: Autosomal dominant inheritance. Affected: yes.

PreventionGenetics, part of Exact Sciences
Classification: Benign. Review status: criteria provided, single submitter. Criteria: ACMG Guidelines, 2015. Collection method: clinical testing. Allele origin: germline.

Clinical Genetics DNA and cytogenetics Diagnostics Lab, Erasmus MC, Erasmus Medical Center
Classification: Benign. Review status: no assertion criteria provided. Collection method: clinical testing. Allele origin: germline. Affected: yes. Study: VKGL Data-share Consensus. Not counted in ClinVar's aggregate classification.

Diagnostic Laboratory, Department of Genetics, University Medical Center Groningen
Classification: Benign. Review status: no assertion criteria provided. Collection method: clinical testing. Allele origin: germline. Affected: yes. Study: VKGL Data-share Consensus. Not counted in ClinVar's aggregate classification.

Genetic Services Laboratory, University of Chicago
Classification: Likely benign for AllHighlyPenetrant. Review status: no assertion criteria provided. Collection method: clinical testing. Allele origin: germline. Inheritance: Autosomal dominant inheritance. Not counted in ClinVar's aggregate classification.
Comment: Likely benign based on allele frequency in 1000 Genomes Project or ESP global frequency and its presence in a patient with a rare or unrelated disease phenotype. NOT Sanger confirmed.

Genome Diagnostics Laboratory, University Medical Center Utrecht
Classification: Benign. Review status: no assertion criteria provided. Collection method: clinical testing. Allele origin: germline. Affected: yes. Study: VKGL Data-share Consensus. Not counted in ClinVar's aggregate classification.

UniProtKB/Swiss-Prot
No classification provided. Review status: no classification provided. Collection method: not provided. Allele origin: not provided. Not counted in ClinVar's aggregate classification.

NM_001127222.2(CACNA1A):c.2751G>C (p.Glu917Asp)

Gene: CACNA1A (calcium voltage-gated channel subunit alpha1 A; minus strand). Cytogenetic location: 19p13.13.
Variant type: single nucleotide variant.
Coding change: c.2751G>C on transcript NM_001127222.2 (MANE Select); coding-DNA position 2751, G replaced by C.
Protein change: p.Glu917Asp; replaces glutamic acid 917 with aspartic acid.
Molecular consequence: missense variant.
Genome position (GRCh38, 1-based): chr19:13,298,882, C>G on the plus strand (G>C on the coding strand, the complement: CACNA1A is on the minus strand). VCF-style: chr19-13298882-C-G. GRCh37 (hg19) VCF-style: chr19-13409696-C-G.
Other names: c.2763G>C, p.Glu921Asp (NM_000068.4, NM_023035.3); c.2754G>C, p.Glu918Asp (NM_001127221.2, NM_001174080.2); short protein forms E918D, E917D, E921D.
Identifiers: ClinVar variation 68426 (VCV000068426.30), dbSNP rs16022, ClinGen allele CA152091.
Genomic context (GRCh38, chr19:13,298,882, plus strand): 5'-CCCCTGCCGGTGCACGTGCCTCCGGTGGGGGTCCCCGGCCTTGCCTCGCTCGGCCTCGCC[C>G]TCCCAGAACCCGGGTTGCTCCAGGCTGCCCTCCCGGGCGTGGTGGTCCGACTCGCGGCCG-3'
Protein context (NP_001120694.1, residues 907-927): EGSLEQPGFW[Glu917Asp]GEAERGKAGD